The following is an entry in ClinVar:

NM_000143.4(FH):c.1077T>A (p.Pro359=)

Gene: FH (fumarate hydratase; minus strand). Cytogenetic location: 1q43.
Variant type: single nucleotide variant.
Coding change: c.1077T>A on transcript NM_000143.4 (MANE Select); coding-DNA position 1077, T replaced by A.
Protein change: p.Pro359=; no amino-acid change (proline 359 retained).
Molecular consequence: synonymous variant.
Genome position (GRCh38, 1-based): chr1:241,504,073, A>T on the plus strand (T>A on the coding strand, the complement: FH is on the minus strand). VCF-style: chr1-241504073-A-T. GRCh37 (hg19) VCF-style: chr1-241667373-A-T.
Identifiers: ClinVar variation 460335 (VCV000460335.29), dbSNP rs750535216, ClinGen allele CA1478552.

ClinVar aggregate classification (germline): Benign/Likely benign. Review status: criteria provided, multiple submitters, no conflicts (2 of 4 stars). 7 submissions from 7 submitters: Benign (3); Likely benign (4). Last evaluated 2026-05-15.

Conditions:
FH-related disorder. Also called: FH-related disorders; FH-related condition.
Hereditary cancer-predisposing syndrome. Also called: Tumor predisposition; Hereditary neoplastic syndrome; Neoplastic Syndromes, Hereditary; Hereditary Cancer Syndrome. Identifiers: Orphanet 140162, MedGen C0027672, MeSH D009386, MONDO:0015356.
Hereditary leiomyomatosis and renal cell cancer. Also called: Familial leiomyomatosis; MULTIPLE CUTANEOUS AND UTERINE LEIOMYOMATA 1, WITH OR WITHOUT RENAL CELL CARCINOMA; FH tumor predisposition syndrome; LEIOMYOMA, MULTIPLE CUTANEOUS; Reed syndrome; Multiple cutaneous and uterine leiomyomatosis. Identifiers: Orphanet 523, MedGen C1708350, MONDO:0007888, OMIM 150800, HP:0007437. Disease mechanism: loss of function.

Allele frequency attached by ClinVar (database versions not stated): gnomAD exomes 0.00002 and 0.00010; gnomAD 0.00004 and 0.00005; TOPMed 0.00005; ExAC 0.00010.
gnomAD v4.1: 33 of 1,614,192 alleles (0.002%); highest among the groups gnomAD compares: East Asian, 0.069%; no homozygotes.

Submissions (7):

PreventionGenetics, part of Exact Sciences
Classification: Likely benign for FH-related condition. Last evaluated: 2026-05-15. Review status: criteria provided, single submitter. Criteria: ACMG Guidelines, 2015. Collection method: clinical testing. Allele origin: germline.
Comment: This variant is classified as likely benign based on ACMG/AMP sequence variant interpretation guidelines (Richards et al. 2015 PMID: 25741868, with internal and published modifications).

Labcorp Genetics (formerly Invitae), Labcorp
Classification: Benign. Last evaluated: 2026-01-31. Review status: criteria provided, single submitter. Criteria: Invitae Variant Classification Sherloc (09022015). Collection method: clinical testing. Allele origin: germline.

Quest Diagnostics Nichols Institute San Juan Capistrano
Classification: Benign. Last evaluated: 2025-02-11. Review status: criteria provided, single submitter. Criteria: Quest Diagnostics criteria. Collection method: clinical testing. Allele origin: unknown.

Myriad Genetics, Inc.
Classification: Benign for Hereditary leiomyomatosis and renal cell cancer. Last evaluated: 2024-10-21. Review status: criteria provided, single submitter. Criteria: Myriad Autosomal Dominant, Autosomal Recessive and X-Linked Classification Criteria (2023). Collection method: clinical testing. Allele origin: unknown.
Comment: This variant is considered benign. This variant is a silent/synonymous amino acid change and it is not expected to impact splicing.

Blueprint Genetics
Classification: Likely benign. Last evaluated: 2020-05-29. Review status: criteria provided, single submitter. Criteria: ACMG Guidelines, 2015. Collection method: clinical testing. Allele origin: germline.

GeneDx
Classification: Likely benign. Last evaluated: 2019-02-14. Review status: criteria provided, single submitter. Criteria: GeneDx Variant Classification Process June 2021. Collection method: clinical testing. Allele origin: germline. Affected: yes.

Ambry Genetics
Classification: Likely benign for Hereditary cancer-predisposing syndrome. Last evaluated: 2015-11-24. Review status: criteria provided, single submitter. Criteria: Ambry Variant Classification Scheme 2023. Collection method: clinical testing. Allele origin: germline.